The following is an entry in ClinVar:

NM_004415.4(DSP):c.5587G>A (p.Asp1863Asn)

Gene: DSP (desmoplakin; plus strand). Cytogenetic location: 6p24.3.
Variant type: single nucleotide variant.
Coding change: c.5587G>A on transcript NM_004415.4 (MANE Select); coding-DNA position 5587, G replaced by A.
Protein change: p.Asp1863Asn; replaces aspartic acid 1863 with asparagine.
Molecular consequence: missense variant.
Genome position (GRCh38, 1-based): chr6:7,582,849, G>A. VCF-style: chr6-7582849-G-A. GRCh37 (hg19) VCF-style: chr6-7583082-G-A.
Other names: c.5587G>A (NM_004415.3); c.3790G>A, p.Asp1264Asn (NM_001008844.3); c.4258G>A, p.Asp1420Asn (NM_001319034.2); short protein forms D1264N, D1420N, D1863N.
Identifiers: ClinVar variation 1748449 (VCV001748449.8), dbSNP rs1287465370, ClinGen allele CA362688955.

ClinVar aggregate classification (germline): Uncertain significance. Review status: criteria provided, multiple submitters, no conflicts (2 of 4 stars). 3 submissions from 3 submitters: Uncertain significance (3). Last evaluated 2026-06-18.

Conditions:
DSP-related disorder. Also called: DSP-related condition; DSP-related disorders.
Arrhythmogenic cardiomyopathy with wooly hair and keratoderma. Also called: Arrhythmogenic cardiomyopathy with woolly hair and keratoderma; PALMOPLANTAR KERATODERMA WITH LEFT VENTRICULAR CARDIOMYOPATHY AND WOOLLY HAIR; Carvajal syndrome; Dilated cardiomyopathy with woolly hair and keratoderma. Identifiers: Orphanet 65282, MedGen C1854063, MONDO:0011581, OMIM 605676.
Arrhythmogenic right ventricular dysplasia 8 (ARVD8). Also called: ARRHYTHMOGENIC RIGHT VENTRICULAR DYSPLASIA, FAMILIAL, 8; ARRHYTHMOGENIC RIGHT VENTRICULAR CARDIOMYOPATHY 8; Arrhythmogenic Right Ventricular Dysplasia/Cardiomyopathy 8. Identifiers: MedGen C1843896, MONDO:0011831, OMIM 607450.
Cardiovascular phenotype. Identifiers: MedGen CN230736.

Allele frequency attached by ClinVar (database versions not stated): gnomAD exomes below 0.00001.
gnomAD v4.1: 4 of 1,614,112 alleles (0.00025%); highest among the groups gnomAD compares: African/African-American, 0.0027%; no homozygotes.

Submissions (3):

PreventionGenetics, part of Exact Sciences
Classification: Uncertain significance for DSP-related condition. Last evaluated: 2026-06-18. Review status: criteria provided, single submitter. Criteria: ACMG Guidelines, 2015. Collection method: clinical testing. Allele origin: germline.
Comment: The DSP c.5587G>A variant is predicted to result in the amino acid substitution p.Asp1863Asn. To our knowledge, this variant has not been reported in the literature. This variant is reported in 0.00088% of alleles in individuals of European (Non-Finnish) descent in gnomAD. At this time, the clinical significance of this variant is uncertain due to the absence of conclusive functional and genetic evidence.

Labcorp Genetics (formerly Invitae), Labcorp
Classification: Uncertain significance for Arrhythmogenic cardiomyopathy with wooly hair and keratoderma; Arrhythmogenic right ventricular dysplasia 8. Last evaluated: 2022-07-15. Review status: criteria provided, single submitter. Criteria: Invitae Variant Classification Sherloc (09022015). Collection method: clinical testing. Allele origin: germline.
Comment: Algorithms developed to predict the effect of missense changes on protein structure and function are either unavailable or do not agree on the potential impact of this missense change (SIFT: "Deleterious"; PolyPhen-2: "Probably Damaging"; Align-GVGD: "Class C0"). In summary, the available evidence is currently insufficient to determine the role of this variant in disease. Therefore, it has been classified as a Variant of Uncertain Significance. This variant has not been reported in the literature in individuals affected with DSP-related conditions. This variant is present in population databases (no rsID available, gnomAD 0.0009%). This sequence change replaces aspartic acid, which is acidic and polar, with asparagine, which is neutral and polar, at codon 1863 of the DSP protein (p.Asp1863Asn).

Ambry Genetics
Classification: Uncertain significance for Cardiovascular phenotype. Last evaluated: 2021-11-24. Review status: criteria provided, single submitter. Criteria: Ambry Variant Classification Scheme 2023. Collection method: clinical testing. Allele origin: germline.
Comment: The p.D1863N variant (also known as c.5587G>A), located in coding exon 24 of the DSP gene, results from a G to A substitution at nucleotide position 5587. The aspartic acid at codon 1863 is replaced by asparagine, an amino acid with highly similar properties. This amino acid position is conserved. In addition, this alteration is predicted to be tolerated by in silico analysis. Since supporting evidence is limited at this time, the clinical significance of this alteration remains unclear.